The following is an entry in ClinVar:

ClinVar aggregate classification (germline): Uncertain significance (1 of 4 stars; one submission).

Conditions:
Nephronophthisis 15 (NPHP15). Identifiers: Orphanet 3156, MedGen C3541853, MONDO:0013917, OMIM 614845.

Submission:

Labcorp Genetics (formerly Invitae), Labcorp
Classification: Uncertain significance for Nephronophthisis 15. Last evaluated: 2022-07-05. Review status: criteria provided, single submitter. Criteria: Invitae Variant Classification Sherloc (09022015). Collection method: clinical testing. Allele origin: germline.
Comment: In summary, the available evidence is currently insufficient to determine the role of this variant in disease. Therefore, it has been classified as a Variant of Uncertain Significance. Algorithms developed to predict the effect of missense changes on protein structure and function output the following: SIFT: "Tolerated"; PolyPhen-2: "Possibly Damaging"; Align-GVGD: "Class C0". The aspartic acid amino acid residue is found in multiple mammalian species, which suggests that this missense change does not adversely affect protein function. ClinVar contains an entry for this variant (Variation ID: 1355878). This variant has not been reported in the literature in individuals affected with CEP164-related conditions. This variant is not present in population databases (gnomAD no frequency). This sequence change replaces glutamic acid, which is acidic and polar, with aspartic acid, which is acidic and polar, at codon 641 of the CEP164 protein (p.Glu641Asp).

NM_014956.5(CEP164):c.1923G>T (p.Glu641Asp)

Gene: CEP164 (centrosomal protein 164; plus strand). Cytogenetic location: 11q23.3.
Variant type: single nucleotide variant.
Coding change: c.1923G>T on transcript NM_014956.5 (MANE Select); coding-DNA position 1923, G replaced by T.
Protein change: p.Glu641Asp; replaces glutamic acid 641 with aspartic acid.
Molecular consequence: missense variant.
Genome position (GRCh38, 1-based): chr11:117,387,401, G>T. VCF-style: chr11-117387401-G-T. GRCh37 (hg19) VCF-style: chr11-117258117-G-T.
Other names: c.1932G>T, p.Glu644Asp (NM_001271933.2); short protein forms E641D, E644D.
Identifiers: ClinVar variation 1355878 (VCV001355878.6), dbSNP rs1435675301, ClinGen allele CA382719144.
Genomic context (GRCh38, chr11:117,387,401, plus strand): 5'-GCGGGAGAAGCTGTGCCAAGAGGAGGAAGAGGAGATCCTCCGGCTTCACCAGCAGAAAGA[G>T]CAATCTCTCAGGTCCTGCCCTTCCCCTTAGGCATGCTTCCTGGGGCCTTTCAGGGATGTG-3'
Protein context (NP_055771.4, residues 631-651): EEILRLHQQK[Glu641Asp]QSLSSLRERL